The following is an entry in ClinVar:

NM_201548.5(CERKL):c.407C>A (p.Ser136Tyr)

Gene: CERKL (CERK like autophagy regulator; minus strand). Cytogenetic location: 2q31.3.
Variant type: single nucleotide variant.
Coding change: c.407C>A on transcript NM_201548.5 (MANE Select); coding-DNA position 407, C replaced by A.
Protein change: p.Ser136Tyr; replaces serine 136 with tyrosine.
Molecular consequence: missense variant. On other transcripts: non-coding transcript variant (2).
Genome position (GRCh38, 1-based): chr2:181,603,911, G>T on the plus strand (C>A on the coding strand, the complement: CERKL is on the minus strand). VCF-style: chr2-181603911-G-T. GRCh37 (hg19) VCF-style: chr2-182468638-G-T.
Other names: c.407C>A, p.Ser136Tyr (NM_001030311.3, NM_001030312.3, NM_001030313.3 and 1 more transcripts); short protein forms S136Y.
Identifiers: ClinVar variation 1407250 (VCV001407250.4), dbSNP rs760779138, ClinGen allele CA2010848.

ClinVar aggregate classification (germline): Uncertain significance. Review status: criteria provided, multiple submitters, no conflicts (2 of 4 stars). 2 submissions from 2 submitters: Uncertain significance (2). Last evaluated 2021-10-29.

Allele frequency attached by ClinVar (database versions not stated): gnomAD exomes below 0.00001 and 0.00001; ExAC 0.00002.
gnomAD v4.1: 3 of 1,612,794 alleles (0.00019%); highest among the groups gnomAD compares: Admixed American, 0.005%; no homozygotes.

Submissions (2):

Labcorp Genetics (formerly Invitae), Labcorp
Classification: Uncertain significance. Last evaluated: 2021-10-29. Review status: criteria provided, single submitter. Criteria: Invitae Variant Classification Sherloc (09022015). Collection method: clinical testing. Allele origin: germline.
Comment: This sequence change replaces serine, which is neutral and polar, with tyrosine, which is neutral and polar, at codon 136 of the CERKL protein (p.Ser136Tyr). This variant is present in population databases (rs760779138, gnomAD 0.009%). This variant has not been reported in the literature in individuals affected with CERKL-related conditions. Algorithms developed to predict the effect of missense changes on protein structure and function output the following: SIFT: "Deleterious"; PolyPhen-2: "Benign"; Align-GVGD: "Class C0". The tyrosine amino acid residue is found in multiple mammalian species, which suggests that this missense change does not adversely affect protein function. In summary, the available evidence is currently insufficient to determine the role of this variant in disease. Therefore, it has been classified as a Variant of Uncertain Significance.

Blueprint Genetics
Classification: Uncertain significance. Last evaluated: 2019-01-17. Review status: criteria provided, single submitter. Criteria: ACMG Guidelines, 2015. Collection method: clinical testing. Allele origin: germline.